The following is an entry in ClinVar:

ClinVar aggregate classification (germline): Uncertain significance (1 of 4 stars; one submission).

Submission:

Labcorp Genetics (formerly Invitae), Labcorp
Classification: Uncertain significance. Last evaluated: 2022-01-07. Review status: criteria provided, single submitter. Criteria: Invitae Variant Classification Sherloc (09022015). Collection method: clinical testing. Allele origin: germline.
Comment: This sequence change replaces glutamine, which is neutral and polar, with lysine, which is basic and polar, at codon 472 of the PCLO protein (p.Gln472Lys). This variant is not present in population databases (gnomAD no frequency). This variant has not been reported in the literature in individuals affected with PCLO-related conditions. Algorithms developed to predict the effect of missense changes on protein structure and function are either unavailable or do not agree on the potential impact of this missense change (SIFT: "Deleterious"; PolyPhen-2: "Benign"; Align-GVGD: "Class C0"). In summary, the available evidence is currently insufficient to determine the role of this variant in disease. Therefore, it has been classified as a Variant of Uncertain Significance.

NM_033026.6(PCLO):c.1414C>A (p.Gln472Lys)

Gene: PCLO (piccolo presynaptic cytomatrix protein; minus strand). Cytogenetic location: 7q21.11.
Variant type: single nucleotide variant.
Coding change: c.1414C>A on transcript NM_033026.6 (MANE Select); coding-DNA position 1414, C replaced by A.
Protein change: p.Gln472Lys; replaces glutamine 472 with lysine.
Molecular consequence: missense variant.
Genome position (GRCh38, 1-based): chr7:83,155,227, G>T on the plus strand (C>A on the coding strand, the complement: PCLO is on the minus strand). VCF-style: chr7-83155227-G-T. GRCh37 (hg19) VCF-style: chr7-82784543-G-T.
Other names: c.1414C>A, p.Gln472Lys (NM_014510.3); short protein forms Q472K.
Identifiers: ClinVar variation 1386771 (VCV001386771.5), dbSNP rs1792247115, ClinGen allele CA367914342.